The following is an entry in ClinVar:

ClinVar aggregate classification (germline): Uncertain significance (1 of 4 stars; one submission).

Submission:

GeneDx
Classification: Uncertain significance. Last evaluated: 2025-03-03. Review status: criteria provided, single submitter. Criteria: GeneDx Variant Classification Process June 2021. Collection method: clinical testing. Allele origin: germline. Affected: yes.
Comment: Not observed at significant frequency in large population cohorts (gnomAD); In silico analysis supports that this missense variant has a deleterious effect on protein structure/function; Has not been previously published as pathogenic or benign to our knowledge

NM_206933.4(USH2A):c.10461C>A (p.Ser3487Arg)

Gene: USH2A (usherin; minus strand). Cytogenetic location: 1q41.
Variant type: single nucleotide variant.
Coding change: c.10461C>A on transcript NM_206933.4 (MANE Select); coding-DNA position 10461, C replaced by A.
Protein change: p.Ser3487Arg; replaces serine 3487 with arginine.
Molecular consequence: missense variant.
Genome position (GRCh38, 1-based): chr1:215,782,862, G>T on the plus strand (C>A on the coding strand, the complement: USH2A is on the minus strand). VCF-style: chr1-215782862-G-T. GRCh37 (hg19) VCF-style: chr1-215956204-G-T.
Other names: short protein forms S3487R.
Identifiers: ClinVar variation 4082722 (VCV004082722.1).
Genomic context (GRCh38, chr1:215,782,862, plus strand): 5'-CCACGTAGGGGGACTCACTCCTTGAGGCACATCTTCTTTTGTTCTGGCTCTCACAGCTTT[G>T]CTGAGTCCTCGCCCATAGCTGTTCCAGGCAGAAATCCTGTACTCATATGTCATGTAGGGC-3'
Protein context (NP_996816.3, residues 3477-3497): SAWNSYGRGL[Ser3487Arg]KAVRARTKED